The following is an entry in ClinVar:

NM_014856.3(DENND4B):c.2703_2726del (p.Gln903_Gln910del)

Gene: DENND4B (DENN domain containing 4B; minus strand). Cytogenetic location: 1q21.3.
Variant type: Deletion.
Coding change: c.2703_2726del on transcript NM_014856.3 (MANE Select); coding-DNA positions 2703 to 2726, 24 bases deleted (ACAGCAGCAGCAGCAGCAGCAGCA).
Protein change: p.Gln903_Gln910del.
Molecular consequence: inframe deletion.
Genome position (GRCh38, 1-based): chr1:153,934,807-153,934,830, TGCTGCTGCTGCTGCTGCTGCTGT deleted on the plus strand (ACAGCAGCAGCAGCAGCAGCAGCA on the coding strand, the reverse complement: DENND4B is on the minus strand); deleting any 24 consecutive bases within chr1:153,934,807-153,934,847 gives the same sequence; the c. name uses the placement nearest the transcript's 3' end. VCF-style (leftmost placement, unchanged base first): chr1-153934806-CTGCTGCTGCTGCTGCTGCTGCTGT-C. GRCh37 (hg19) VCF-style: chr1-153907282-CTGCTGCTGCTGCTGCTGCTGCTGT-C.
Other names: c.2736_2759del, p.Gln914_Gln921del (NM_001367466.1).
Identifiers: ClinVar variation 4984980 (VCV004984980.1).
Genomic context (GRCh38, chr1:153,934,806, plus strand): 5'-CAGGCCCTACCCACCTGCCTGGGAGCTGCCTGCCTCTTGATGTGCTGACACCTGCTCCTG[CTGCTGCTGCTGCTGCTGCTGCTGT>C]TGCTGCTGCTGCTGCTGTTGCCGTTCTCTCAAGGGCTGGCGGAACTGAGCAGCCCCCAGG-3'

ClinVar aggregate classification (germline): Likely benign (1 of 4 stars; one submission).

Conditions:
DENND4B-related disorder. Also called: DENND4B-related condition.

Submission:

PreventionGenetics, part of Exact Sciences
Classification: Likely benign for DENND4B-related condition. Last evaluated: 2026-08-20. Review status: criteria provided, single submitter. Criteria: ACMG Guidelines, 2015. Collection method: clinical testing. Allele origin: germline.
Comment: This variant is classified as likely benign based on ACMG/AMP sequence variant interpretation guidelines (Richards et al. 2015 PMID: 25741868, with internal and published modifications).